The following is an entry in ClinVar:

NM_000180.4(GUCY2D):c.281C>G (p.Pro94Arg)

Gene: GUCY2D (guanylate cyclase 2D, retinal; plus strand). Cytogenetic location: 17p13.1.
Variant type: single nucleotide variant.
Coding change: c.281C>G on transcript NM_000180.4 (MANE Select); coding-DNA position 281, C replaced by G.
Protein change: p.Pro94Arg; replaces proline 94 with arginine.
Molecular consequence: missense variant.
Genome position (GRCh38, 1-based): chr17:8,003,328, C>G. VCF-style: chr17-8003328-C-G. GRCh37 (hg19) VCF-style: chr17-7906646-C-G.
Other names: short protein forms P94R.
Identifiers: ClinVar variation 4792052 (VCV004792052.1).
Genomic context (GRCh38, chr17:8,003,328, plus strand): 5'-ACCTGGCCGCCCGCCTGGCCGCCGCCCGCCTGAACCGCGACCCCGGCCTGGCAGGCGGTC[C>G]CCGCTTCGAGGTAGCGCTGCTGCCCGAGCCTTGCCGGACGCCGGGCTCGCTGGGGGCCGT-3'
Protein context (NP_000171.1, residues 84-104): LNRDPGLAGG[Pro94Arg]RFEVALLPEP

ClinVar aggregate classification (germline): Uncertain significance (1 of 4 stars; one submission).

Conditions:
Leber congenital amaurosis 1 (LCA1). Also called: AMAUROSIS CONGENITA OF LEBER I; RETINAL BLINDNESS, CONGENITAL; Congenital absence of the rods and cones; Leber's congenital tapetoretinal degeneration; Leber's congenital tapetoretinal dysplasia. Identifiers: Orphanet 65, MedGen C2931258, MONDO:0008764, OMIM 204000.
Cone-rod dystrophy 6 (CORD6). Also called: RETINAL CONE DYSTROPHY 2; Cone dystrophy progressive. Identifiers: Orphanet 1872, MedGen C1866293, MONDO:0011143, OMIM 601777.

gnomAD v4.1: 5 of 1,482,924 alleles (0.00034%); highest among the groups gnomAD compares: Non-Finnish European, 0.00044%; no homozygotes.

Submission:

Labcorp Genetics (formerly Invitae), Labcorp
Classification: Uncertain significance for Leber congenital amaurosis 1; Cone-rod dystrophy 6. Last evaluated: 2025-04-17. Review status: criteria provided, single submitter. Criteria: Invitae Variant Classification Sherloc (09022015). Collection method: clinical testing. Allele origin: germline.
Comment: This sequence change replaces proline, which is neutral and non-polar, with arginine, which is basic and polar, at codon 94 of the GUCY2D protein (p.Pro94Arg). This variant is not present in population databases (gnomAD no frequency). This variant has not been reported in the literature in individuals affected with GUCY2D-related conditions. Invitae Evidence Modeling of protein sequence and biophysical properties (such as structural, functional, and spatial information, amino acid conservation, physicochemical variation, residue mobility, and thermodynamic stability) indicates that this missense variant is not expected to disrupt GUCY2D protein function with a negative predictive value of 80%. In summary, the available evidence is currently insufficient to determine the role of this variant in disease. Therefore, it has been classified as a Variant of Uncertain Significance.